The following is an entry in ClinVar:

NM_005591.4(MRE11):c.599T>C (p.Met200Thr)

Gene: MRE11 (MRE11 double strand break repair nuclease; minus strand). Cytogenetic location: 11q21.
Variant type: single nucleotide variant.
Coding change: c.599T>C on transcript NM_005591.4 (MANE Select); coding-DNA position 599, T replaced by C.
Protein change: p.Met200Thr; replaces methionine 200 with threonine.
Molecular consequence: missense variant.
Genome position (GRCh38, 1-based): chr11:94,476,349, A>G on the plus strand (T>C on the coding strand, the complement: MRE11 is on the minus strand). VCF-style: chr11-94476349-A-G. GRCh37 (hg19) VCF-style: chr11-94209515-A-G.
Other names: c.599T>C, p.Met200Thr (NM_001330347.2, NM_005590.4); short protein forms M200T.
Identifiers: ClinVar variation 826106 (VCV000826106.5), dbSNP rs758547697, ClinGen allele CA6235353.

ClinVar aggregate classification (germline): Uncertain significance (1 of 4 stars; one submission).

Conditions:
Hereditary cancer-predisposing syndrome. Also called: Neoplastic Syndromes, Hereditary; Tumor predisposition; Hereditary neoplastic syndrome; Hereditary Cancer Syndrome. Identifiers: Orphanet 140162, MedGen C0027672, MeSH D009386, MONDO:0015356.

Allele frequency attached by ClinVar (database versions not stated): gnomAD exomes 0.00001 and 0.00002; ExAC 0.00002.
gnomAD v4.1: 9 of 1,613,462 alleles (0.00056%); highest among the groups gnomAD compares: South Asian, 0.0066%; no homozygotes.

Submission:

Ambry Genetics
Classification: Uncertain significance for Hereditary cancer-predisposing syndrome. Last evaluated: 2023-08-25. Review status: criteria provided, single submitter. Criteria: Ambry Variant Classification Scheme 2023. Collection method: clinical testing. Allele origin: germline.
Comment: The p.M200T variant (also known as c.599T>C), located in coding exon 6 of the MRE11A gene, results from a T to C substitution at nucleotide position 599. The methionine at codon 200 is replaced by threonine, an amino acid with similar properties. This amino acid position is highly conserved in available vertebrate species. In addition, this alteration is predicted to be deleterious by in silico analysis. Since supporting evidence is limited at this time, the clinical significance of this alteration remains unclear.